The following is an entry in ClinVar:

ClinVar aggregate classification (germline): Benign/Likely benign. Review status: criteria provided, multiple submitters, no conflicts (2 of 4 stars). 4 submissions from 4 submitters: Benign (3); Likely benign (1). Last evaluated 2025-12-30.

Allele frequency attached by ClinVar (database versions not stated): 1000 Genomes Project 30x 0.00094; TOPMed 0.00094; 1000 Genomes Project 0.00120; ESP Exome Variant Server 0.00192; gnomAD 0.00221 and 0.00224; ExAC 0.00238; gnomAD exomes 0.00240.
gnomAD v4.1: 3,488 of 1,614,108 alleles (0.22%); highest among the groups gnomAD compares: Non-Finnish European, 0.19%; 10 homozygotes.

Submissions (8):

Labcorp Genetics (formerly Invitae), Labcorp
Classification: Benign. Last evaluated: 2025-12-30. Review status: criteria provided, single submitter. Criteria: Invitae Variant Classification Sherloc (09022015). Collection method: clinical testing. Allele origin: germline.

Blueprint Genetics
Classification: Likely benign. Last evaluated: 2024-09-25. Review status: criteria provided, single submitter. Criteria: ACMG Guidelines, 2015. Collection method: clinical testing. Allele origin: germline.

GeneDx
Classification: Benign. Last evaluated: 2019-08-01. Review status: criteria provided, single submitter. Criteria: GeneDx Variant Classification Process June 2021. Collection method: clinical testing. Allele origin: germline. Affected: yes.

Laboratory for Molecular Medicine, Mass General Brigham Personalized Medicine
Classification: Benign. Last evaluated: 2017-08-23. Review status: criteria provided, single submitter. Criteria: LMM Criteria. Collection method: clinical testing. Allele origin: germline. Observed: 1 variant allele.
Comment: p.Gly571Arg in exon 15 of CDC14A: This variant is not expected to have clinical significance because it has been identified in 1.72% (114/6614) of Finnish chrom osomes by the Exome Aggregation Consortium (ExAC ; dbSNP rs61752469).

Dr. Peter K. Rogan Lab, Western University
No classification provided (evidence only). Condition: Colon adenocarcinoma. Review status: no classification provided. Collection method: in vitro. Allele origin: not applicable. Functional consequence: retained intron. Not counted in ClinVar's aggregate classification.

Dr. Peter K. Rogan Lab, Western University
No classification provided (evidence only). Condition: Thyroid cancer, nonmedullary, 1. Review status: no classification provided. Collection method: in vitro. Allele origin: not applicable. Functional consequence: retained intron. Not counted in ClinVar's aggregate classification.

Dr. Peter K. Rogan Lab, Western University
No classification provided (evidence only). Condition: Thyroid cancer, nonmedullary, 1. Review status: no classification provided. Collection method: in vitro. Allele origin: not applicable. Functional consequence: skipped exon, retained intron. Not counted in ClinVar's aggregate classification.

Dr. Peter K. Rogan Lab, Western University
No classification provided (evidence only). Condition: Malignant tumor of esophagus. Review status: no classification provided. Collection method: in vitro. Allele origin: not applicable. Functional consequence: skipped exon, retained intron. Not counted in ClinVar's aggregate classification.

NM_003672.4(CDC14A):c.1711G>A (p.Gly571Arg)

Gene: CDC14A (cell division cycle 14A; plus strand). Cytogenetic location: 1p21.2.
Variant type: single nucleotide variant.
Coding change: c.1711G>A on transcript NM_003672.4 (MANE Select); coding-DNA position 1711, G replaced by A.
Protein change: p.Gly571Arg; replaces glycine 571 with arginine.
Molecular consequence: missense variant.
Genome position (GRCh38, 1-based): chr1:100,499,218, G>A. VCF-style: chr1-100499218-G-A. GRCh37 (hg19) VCF-style: chr1-100964774-G-A.
Other names: c.1711G>A, p.Gly571Arg (NM_001319210.2, NM_033312.3); c.1537G>A, p.Gly513Arg (NM_001319211.2); c.832G>A, p.Gly278Arg (NM_001319212.2); short protein forms G571R, G513R, G278R.
Identifiers: ClinVar variation 513655 (VCV000513655.16), dbSNP rs61752469, ClinGen allele CA970962.